The following is an entry in ClinVar:

NM_000368.5(TSC1):c.193C>T (p.Gln65Ter)

Gene: TSC1 (TSC complex subunit 1; minus strand). Cytogenetic location: 9q34.13.
Variant type: single nucleotide variant.
Coding change: c.193C>T on transcript NM_000368.5 (MANE Select); coding-DNA position 193, C replaced by T.
Protein change: p.Gln65Ter; replaces glutamine 65 with a stop codon.
Molecular consequence: nonsense. On other transcripts: intron variant (1).
Genome position (GRCh38, 1-based): chr9:132,927,218, G>A on the plus strand (C>T on the coding strand, the complement: TSC1 is on the minus strand). VCF-style: chr9-132927218-G-A. GRCh37 (hg19) VCF-style: chr9-135802605-G-A.
Other names: c.193C>T, p.Gln65Ter (NM_001162426.2, NM_001162427.2); c.-153-1479C>T (NM_001362177.2); short protein forms Q65*.
Identifiers: ClinVar variation 941935 (VCV000941935.8), dbSNP rs1846915941, ClinGen allele CA375375058.

ClinVar aggregate classification (germline): Pathogenic. Review status: criteria provided, multiple submitters, no conflicts (2 of 4 stars). 2 submissions from 2 submitters: Pathogenic (2). Last evaluated 2026-08-06.

Conditions:
Tuberous sclerosis syndrome (TSC). Also called: Tuberous sclerosis; Tuberous Sclerosis Complex. Identifiers: Orphanet 805, MedGen C0041341, MONDO:0001734.
Tuberous sclerosis 1 (TSC1). Identifiers: Orphanet 805, MedGen C1854465, MONDO:0008612, OMIM 191100.

Submissions (2):

NHS Central & South Genomic Laboratory Hub
Classification: Pathogenic for Tuberous sclerosis. Last evaluated: 2026-08-06. Review status: criteria provided, single submitter. Criteria: ACMG Guidelines, 2015. Collection method: clinical testing. Allele origin: germline. Affected: yes.

Labcorp Genetics (formerly Invitae), Labcorp
Classification: Pathogenic for Tuberous sclerosis 1. Last evaluated: 2023-12-27. Review status: criteria provided, single submitter. Criteria: Invitae Variant Classification Sherloc (09022015). Collection method: clinical testing. Allele origin: germline.
Comment: This sequence change creates a premature translational stop signal (p.Gln65*) in the TSC1 gene. It is expected to result in an absent or disrupted protein product. Loss-of-function variants in TSC1 are known to be pathogenic (PMID: 10227394, 17304050). This variant is not present in population databases (gnomAD no frequency). This variant has not been reported in the literature in individuals affected with TSC1-related conditions. ClinVar contains an entry for this variant (Variation ID: 941935). For these reasons, this variant has been classified as Pathogenic.

Literature cited by the submitters: PubMed 10227394 (cited by Labcorp Genetics (formerly Invitae), Labcorp); PubMed 17304050 (cited by Labcorp Genetics (formerly Invitae), Labcorp).